The following is an entry in ClinVar:

NM_080732.4(EGLN2):c.952T>C (p.Trp318Arg)

Genes: EGLN2 (egl-9 family hypoxia inducible factor 2; plus strand), RAB4B-EGLN2 (RAB4B-EGLN2 readthrough (NMD candidate); plus strand). Cytogenetic location: 19q13.2.
Variant type: single nucleotide variant.
Coding change: c.952T>C on transcript NM_080732.4 (MANE Select); coding-DNA position 952, T replaced by C.
Protein change: p.Trp318Arg; replaces tryptophan 318 with arginine.
Molecular consequence: missense variant. On other transcripts: non-coding transcript variant (1).
Genome position (GRCh38, 1-based): chr19:40,806,663, T>C. VCF-style: chr19-40806663-T-C. GRCh37 (hg19) VCF-style: chr19-41312568-T-C.
Other names: c.952T>C, p.Trp318Arg (NM_053046.4); short protein forms W318R.
Identifiers: ClinVar variation 3229025 (VCV003229025.1), dbSNP rs2516006603, ClinGen allele CA405956345.

ClinVar aggregate classification (germline): Uncertain significance (1 of 4 stars; one submission).

Submission:

Ambry Genetics
Classification: Uncertain significance. Last evaluated: 2023-10-06. Review status: criteria provided, single submitter. Criteria: Ambry Variant Classification Scheme 2023. Collection method: clinical testing. Allele origin: germline.
Comment: The p.W318R variant (also known as c.952T>C), located in coding exon 2 of the EGLN2 gene, results from a T to C substitution at nucleotide position 952. The tryptophan at codon 318 is replaced by arginine, an amino acid with dissimilar properties. This amino acid position is conserved. In addition, this alteration is predicted to be deleterious by in silico analysis. Since supporting evidence is limited at this time, the clinical significance of this alteration remains unclear.